The following is an entry in ClinVar:

NM_001110556.2(FLNA):c.5679A>G (p.Ala1893=)

Gene: FLNA (filamin A; minus strand). Cytogenetic location: Xq28.
Variant type: single nucleotide variant.
Coding change: c.5679A>G on transcript NM_001110556.2 (MANE Select); coding-DNA position 5679, A replaced by G.
Protein change: p.Ala1893=; no amino-acid change (alanine 1893 retained).
Molecular consequence: synonymous variant.
Genome position (GRCh38, 1-based): chrX:154,353,922, T>C on the plus strand (A>G on the coding strand, the complement: FLNA is on the minus strand). VCF-style: chrX-154353922-T-C. GRCh37 (hg19) VCF-style: chrX-153582290-T-C.
Other names: c.5655A>G, p.Ala1885= (NM_001456.4).
Identifiers: ClinVar variation 513547 (VCV000513547.8), dbSNP rs782551375, ClinGen allele CA10560263.

ClinVar aggregate classification (germline): Likely benign. Review status: criteria provided, multiple submitters, no conflicts (2 of 4 stars). 4 submissions from 4 submitters: Likely benign (4). Last evaluated 2025-10-23.

Conditions:
Familial thoracic aortic aneurysm and aortic dissection (TAAD). Also called: Thoracic aortic aneurysms and dissections. Identifiers: Orphanet 91387, MedGen C4707243, MONDO:0019625.
Heterotopia, periventricular, X-linked dominant (PVNH1). Also called: PERIVENTRICULAR NODULAR HETEROTOPIA 1; X-linked periventricular heterotopia; PERIVENTRICULAR NODULAR HETEROTOPIA 4; HETEROTOPIA, PERIVENTRICULAR, 1. Identifiers: Orphanet 2149, Orphanet 82004, MedGen C1848213, MONDO:0010233, OMIM 300049.
Melnick-Needles syndrome (MNS). Also called: OSTEODYSPLASTY OF MELNICK AND NEEDLES; Melnick-Needles Syndrome (FLNA-MNS); MELNICK-NEEDLES OSTEODYSPLASTY. Identifiers: Orphanet 2484, MedGen C0025237, MONDO:0010650, OMIM 309350.
Oto-palato-digital syndrome, type II (OPD2). Also called: OPD II SYNDROME; Otopalatodigital Syndrome, Type II; FACIOPALATOOSSEOUS SYNDROME; Otopalatodigital Syndrome Type 2 (FLNA-OPD2). Identifiers: Orphanet 669, Orphanet 90652, MedGen C1844696, MONDO:0010571, OMIM 304120.
Frontometaphyseal dysplasia (FMD1). Identifiers: Orphanet 1826, MedGen C0265293, MONDO:0015942.

Allele frequency attached by ClinVar (database versions not stated): gnomAD exomes below 0.00001 and 0.00001; ExAC 0.00001; TOPMed 0.00001.
gnomAD v4.1: 2 of 1,212,181 alleles (0.00016%); highest among the groups gnomAD compares: Non-Finnish European, 0.00011%; no homozygotes.

Submissions (4):

Labcorp Genetics (formerly Invitae), Labcorp
Classification: Likely benign for Oto-palato-digital syndrome, type II; Heterotopia, periventricular, X-linked dominant; Frontometaphyseal dysplasia; Melnick-Needles syndrome. Last evaluated: 2025-10-23. Review status: criteria provided, single submitter. Criteria: Invitae Variant Classification Sherloc (09022015). Collection method: clinical testing. Allele origin: germline.

Ambry Genetics
Classification: Likely benign for Familial thoracic aortic aneurysm and aortic dissection. Last evaluated: 2024-11-30. Review status: criteria provided, single submitter. Criteria: Ambry Variant Classification Scheme 2023. Collection method: clinical testing. Allele origin: germline.

Blueprint Genetics
Classification: Likely benign. Last evaluated: 2020-04-09. Review status: criteria provided, single submitter. Criteria: ACMG Guidelines, 2015. Collection method: clinical testing. Allele origin: germline.

GeneDx
Classification: Likely benign. Last evaluated: 2017-11-27. Review status: criteria provided, single submitter. Criteria: GeneDx Variant Classification (06012015). Collection method: clinical testing. Allele origin: germline. Affected: yes.
Comment: This variant is considered likely benign or benign based on one or more of the following criteria: it is a conservative change, it occurs at a poorly conserved position in the protein, it is predicted to be benign by multiple in silico algorithms, and/or has population frequency not consistent with disease.